The following is an entry in ClinVar:

NM_145893.3(RBFOX1):c.46A>G (p.Met16Val)

Gene: RBFOX1 (RNA binding fox-1 homolog 1; plus strand). Cytogenetic location: 16p13.3.
Variant type: single nucleotide variant.
Coding change: c.46A>G on transcript NM_145893.3 (MANE Plus Clinical); coding-DNA position 46, A replaced by G.
Protein change: p.Met16Val; replaces methionine 16 with valine.
Molecular consequence: missense variant. On other transcripts: intron variant (5).
Genome position (GRCh38, 1-based): chr16:7,333,047, A>G. VCF-style: chr16-7333047-A-G. GRCh37 (hg19) VCF-style: chr16-7383048-A-G.
Other names: c.46A>G, p.Met16Val (NM_145891.3, NM_145892.3); c.28-185100A>G (NM_001364800.2, NM_018723.4, NM_001142333.2 and 1 more transcripts); c.157-185100A>G (NM_001308117.1); short protein forms M16V.
Identifiers: ClinVar variation 460032 (VCV000460032.11), dbSNP rs779418628, ClinGen allele CA7891231.
Genomic context (GRCh38, chr16:7,333,047, plus strand): 5'-AACTCTACGTAAAGCATGCTGGCGTCTCAAGGAGTTCTCCTGCATCCTTATGGCGTGCCT[A>G]TGATTGTACCGGCAGCTCCTTACCTTCCTGGACTGATTCAGGTAATTCAAGGCCTCTGCC-3'
Protein context (NP_665900.1, residues 6-26): GVLLHPYGVP[Met16Val]IVPAAPYLPG

ClinVar aggregate classification (germline): Uncertain significance. Review status: criteria provided, multiple submitters, no conflicts (2 of 4 stars). 2 submissions from 2 submitters: Uncertain significance (2). Last evaluated 2025-12-18.

Conditions:
Inborn genetic diseases. Identifiers: MedGen C0950123, MeSH D030342.
Idiopathic generalized epilepsy. Also called: EIG; Generalised epilepsy. Identifiers: MedGen C0270850, MONDO:0005579, OMIM 600669.

gnomAD v4.1: 9 of 1,613,914 alleles (0.00056%); highest among the groups gnomAD compares: South Asian, 0.0011%; no homozygotes.

Submissions (2):

Labcorp Genetics (formerly Invitae), Labcorp
Classification: Uncertain significance for Idiopathic generalized epilepsy. Last evaluated: 2025-12-18. Review status: criteria provided, single submitter. Criteria: Invitae Variant Classification Sherloc (09022015). Collection method: clinical testing. Allele origin: germline.
Comment: This sequence change replaces methionine, which is neutral and non-polar, with valine, which is neutral and non-polar, at codon 16 of the RBFOX1 protein (p.Met16Val). This variant is present in population databases (rs779418628, gnomAD 0.003%). This variant has not been reported in the literature in individuals affected with RBFOX1-related conditions. ClinVar contains an entry for this variant (Variation ID: 460032). An algorithm developed to predict the effect of missense changes on protein structure and function (PolyPhen-2) suggests that this variant is likely to be tolerated. In summary, the available evidence is currently insufficient to determine the role of this variant in disease. Therefore, it has been classified as a Variant of Uncertain Significance.

Ambry Genetics
Classification: Uncertain significance for Inborn genetic diseases. Last evaluated: 2024-11-26. Review status: criteria provided, single submitter. Criteria: Ambry Variant Classification Scheme 2023. Collection method: clinical testing. Allele origin: germline.